The following is an entry in ClinVar:

NM_052874.5(STX1B):c.565C>T (p.Gln189Ter)

Gene: STX1B (syntaxin 1B; minus strand). Cytogenetic location: 16p11.2.
Variant type: single nucleotide variant.
Coding change: c.565C>T on transcript NM_052874.5 (MANE Select); coding-DNA position 565, C replaced by T.
Protein change: p.Gln189Ter; replaces glutamine 189 with a stop codon.
Molecular consequence: nonsense.
Genome position (GRCh38, 1-based): chr16:30,993,457, G>A on the plus strand (C>T on the coding strand, the complement: STX1B is on the minus strand). VCF-style: chr16-30993457-G-A. GRCh37 (hg19) VCF-style: chr16-31004778-G-A.
Other names: short protein forms Q189*.
Identifiers: ClinVar variation 3650187 (VCV003650187.2).

ClinVar aggregate classification (germline): Pathogenic (1 of 4 stars; one submission).

Conditions:
Generalized epilepsy with febrile seizures plus, type 9 (GEFSP9). Also called: GEFS+, TYPE 9. Identifiers: Orphanet 36387, MedGen C4015395, MONDO:0014517, OMIM 616172.

Submission:

Labcorp Genetics (formerly Invitae), Labcorp
Classification: Pathogenic for Generalized epilepsy with febrile seizures plus, type 9. Last evaluated: 2024-04-17. Review status: criteria provided, single submitter. Criteria: Invitae Variant Classification Sherloc (09022015). Collection method: clinical testing. Allele origin: germline.
Comment: This sequence change creates a premature translational stop signal (p.Gln189*) in the STX1B gene. It is expected to result in an absent or disrupted protein product. Loss-of-function variants in STX1B are known to be pathogenic (PMID: 25362483). This variant is not present in population databases (gnomAD no frequency). This variant has not been reported in the literature in individuals affected with STX1B-related conditions. For these reasons, this variant has been classified as Pathogenic.

Literature cited by the submitters: PubMed 25362483.